The following is an entry in ClinVar:

NM_001082538.3(TCTN1):c.1304A>G (p.Tyr435Cys)

Gene: TCTN1 (tectonic family member 1; plus strand). Cytogenetic location: 12q24.11.
Variant type: single nucleotide variant.
Coding change: c.1304A>G on transcript NM_001082538.3 (MANE Select); coding-DNA position 1304, A replaced by G.
Protein change: p.Tyr435Cys; replaces tyrosine 435 with cysteine.
Molecular consequence: missense variant. On other transcripts: intron variant (2).
Genome position (GRCh38, 1-based): chr12:110,642,362, A>G. VCF-style: chr12-110642362-A-G. GRCh37 (hg19) VCF-style: chr12-111080167-A-G.
Other names: c.1304A>G, p.Tyr435Cys (NM_001082537.3); c.1136A>G, p.Tyr379Cys (NM_001173975.3); c.770A>G, p.Tyr257Cys (NM_001319681.2); c.1262A>G, p.Tyr421Cys (NM_024549.6); c.1010+735A>G (NM_001173976.2); c.1190+735A>G (NM_001319680.2); short protein forms Y257C, Y379C, Y421C, Y435C.
Identifiers: ClinVar variation 1206429 (VCV001206429.11), dbSNP rs201007321, ClinGen allele CA6786861.

ClinVar aggregate classification (germline): Uncertain significance. Review status: criteria provided, multiple submitters, no conflicts (2 of 4 stars). 5 submissions from 5 submitters: Uncertain significance (5). Last evaluated 2025-06-09.

Conditions:
Joubert syndrome 13 (JBTS13). Identifiers: Orphanet 475, MedGen C3280031, MONDO:0013608, OMIM 614173.
Meckel-Gruber syndrome. Also called: Dysencephalia splachnocystica; GRUBER SYNDROME; DYSENCEPHALIA SPLANCHNOCYSTICA. Identifiers: Orphanet 564, MedGen C0265215, MONDO:0018921.
Joubert syndrome. Also called: Familial aplasia of the vermis; JOUBERT-BOLTSHAUSER SYNDROME. Identifiers: Orphanet 475, MedGen C5979921, MONDO:0018772.
Inborn genetic diseases. Identifiers: MedGen C0950123, MeSH D030342.

Allele frequency attached by ClinVar (database versions not stated): gnomAD 0.00021 and 0.00024; TOPMed 0.00027; ExAC 0.00028; gnomAD exomes 0.00029 and 0.00054; ESP Exome Variant Server 0.00059.
gnomAD v4.1: 802 of 1,614,062 alleles (0.05%); highest among the groups gnomAD compares: Non-Finnish European, 0.065%; no homozygotes.

Submissions (5):

Ambry Genetics
Classification: Uncertain significance for Inborn genetic diseases. Last evaluated: 2025-06-09. Review status: criteria provided, single submitter. Criteria: Ambry Variant Classification Scheme 2023. Collection method: clinical testing. Allele origin: germline.

Labcorp Genetics (formerly Invitae), Labcorp
Classification: Uncertain significance for Joubert syndrome; Meckel-Gruber syndrome. Last evaluated: 2024-12-23. Review status: criteria provided, single submitter. Criteria: Invitae Variant Classification Sherloc (09022015). Collection method: clinical testing. Allele origin: germline.
Comment: This sequence change replaces tyrosine, which is neutral and polar, with cysteine, which is neutral and slightly polar, at codon 435 of the TCTN1 protein (p.Tyr435Cys). This variant is present in population databases (rs201007321, gnomAD 0.05%). This variant has not been reported in the literature in individuals affected with TCTN1-related conditions. ClinVar contains an entry for this variant (Variation ID: 1206429). Invitae Evidence Modeling of protein sequence and biophysical properties (such as structural, functional, and spatial information, amino acid conservation, physicochemical variation, residue mobility, and thermodynamic stability) indicates that this missense variant is expected to disrupt TCTN1 protein function with a positive predictive value of 80%. In summary, the available evidence is currently insufficient to determine the role of this variant in disease. Therefore, it has been classified as a Variant of Uncertain Significance.

Fulgent Genetics
Classification: Uncertain significance for Joubert syndrome 13. Last evaluated: 2024-06-21. Review status: criteria provided, single submitter. Criteria: ACMG Guidelines, 2015. Collection method: clinical testing. Allele origin: germline.

Blueprint Genetics
Classification: Uncertain significance. Last evaluated: 2024-06-17. Review status: criteria provided, single submitter. Criteria: ACMG Guidelines, 2015. Collection method: clinical testing. Allele origin: germline.

GeneDx
Classification: Uncertain significance. Last evaluated: 2020-09-30. Review status: criteria provided, single submitter. Criteria: GeneDx Variant Classification Process June 2021. Collection method: clinical testing. Allele origin: germline. Affected: yes.
Comment: In silico analysis supports that this missense variant has a deleterious effect on protein structure/function; Has not been previously published as pathogenic or benign to our knowledge